The following is an entry in ClinVar:

NM_001082486.2(ACD):c.1297A>C (p.Arg433=)

Gene: ACD (ACD shelterin complex subunit and telomerase recruitment factor; minus strand). Cytogenetic location: 16q22.1.
Variant type: single nucleotide variant.
Coding change: c.1297A>C on transcript NM_001082486.2 (MANE Select); coding-DNA position 1297, A replaced by C.
Protein change: p.Arg433=; no amino-acid change (arginine 433 retained).
Molecular consequence: synonymous variant.
Genome position (GRCh38, 1-based): chr16:67,657,763, T>G on the plus strand (A>C on the coding strand, the complement: ACD is on the minus strand). VCF-style: chr16-67657763-T-G. GRCh37 (hg19) VCF-style: chr16-67691666-T-G.
Other names: c.1288A>C, p.Arg430= (NM_022914.3).
Identifiers: ClinVar variation 855163 (VCV000855163.9), dbSNP rs1407657316, ClinGen allele CA496087472.

ClinVar aggregate classification (germline): Uncertain significance (1 of 4 stars; one submission).

Conditions:
Dyskeratosis congenita, autosomal dominant 6 (DKCA6). Identifiers: Orphanet 3322, MedGen C4225284, MONDO:0014690, OMIM 616553.

Allele frequency attached by ClinVar (database versions not stated): TOPMed 0.00002.
gnomAD v4.1: 9 of 1,613,964 alleles (0.00056%); highest among the groups gnomAD compares: African/African-American, 0.0013%; no homozygotes.

Submission:

Labcorp Genetics (formerly Invitae), Labcorp
Classification: Uncertain significance for Dyskeratosis congenita, autosomal dominant 6. Last evaluated: 2024-12-16. Review status: criteria provided, single submitter. Criteria: Invitae Variant Classification Sherloc (09022015). Collection method: clinical testing. Allele origin: germline.
Comment: This sequence change affects codon 519 of the ACD mRNA. It is a 'silent' change, meaning that it does not change the encoded amino acid sequence of the ACD protein. It affects a nucleotide within the consensus splice site. This variant is present in population databases (no rsID available, gnomAD 0.007%). This variant has not been reported in the literature in individuals affected with ACD-related conditions. ClinVar contains an entry for this variant (Variation ID: 855163). Algorithms developed to predict the effect of sequence changes on RNA splicing suggest that this variant is not likely to affect RNA splicing. In summary, the available evidence is currently insufficient to determine the role of this variant in disease. Therefore, it has been classified as a Variant of Uncertain Significance.